The following is an entry in ClinVar:

ClinVar aggregate classification (germline): Uncertain significance. Review status: criteria provided, multiple submitters, no conflicts (2 of 4 stars). 2 submissions from 2 submitters: Uncertain significance (2). Last evaluated 2024-12-02.

Conditions:
Inborn genetic diseases. Identifiers: MedGen C0950123, MeSH D030342.
Parkinsonism-dystonia, infantile. Identifiers: Orphanet 238455, MedGen C2751067, MONDO:0013150.

Allele frequency attached by ClinVar (database versions not stated): gnomAD exomes below 0.00001 and 0.00001; gnomAD 0.00001 and 0.00002; ExAC 0.00002; 1000 Genomes Project 30x 0.00016; 1000 Genomes Project 0.00020.
gnomAD v4.1: 9 of 1,614,174 alleles (0.00056%); highest among the groups gnomAD compares: Admixed American, 0.0017%; no homozygotes.

Submissions (2):

Labcorp Genetics (formerly Invitae), Labcorp
Classification: Uncertain significance for Parkinsonism-dystonia, infantile. Last evaluated: 2024-12-02. Review status: criteria provided, single submitter. Criteria: Invitae Variant Classification Sherloc (09022015). Collection method: clinical testing. Allele origin: germline.
Comment: This sequence change replaces valine, which is neutral and non-polar, with isoleucine, which is neutral and non-polar, at codon 158 of the SLC6A3 protein (p.Val158Ile). This variant is present in population databases (rs543317006, gnomAD 0.002%). This variant has not been reported in the literature in individuals affected with SLC6A3-related conditions. ClinVar contains an entry for this variant (Variation ID: 1403613). Invitae Evidence Modeling of protein sequence and biophysical properties (such as structural, functional, and spatial information, amino acid conservation, physicochemical variation, residue mobility, and thermodynamic stability) indicates that this missense variant is not expected to disrupt SLC6A3 protein function with a negative predictive value of 80%. In summary, the available evidence is currently insufficient to determine the role of this variant in disease. Therefore, it has been classified as a Variant of Uncertain Significance.

Ambry Genetics
Classification: Uncertain significance for Inborn genetic diseases. Last evaluated: 2024-08-05. Review status: criteria provided, single submitter. Criteria: Ambry Variant Classification Scheme 2023. Collection method: clinical testing. Allele origin: germline.

NM_001044.5(SLC6A3):c.472G>A (p.Val158Ile)

Gene: SLC6A3 (solute carrier family 6 member 3). Cytogenetic location: 5p15.33.
Variant type: single nucleotide variant.
Coding change: c.472G>A on transcript NM_001044.5 (MANE Select); coding-DNA position 472, G replaced by A.
Protein change: p.Val158Ile; replaces valine 158 with isoleucine.
Molecular consequence: missense variant.
Genome position (GRCh38, 1-based): chr5:1,432,645, C>T on the plus strand (G>A on the coding strand, the complement: SLC6A3 is on the minus strand). VCF-style: chr5-1432645-C-T. GRCh37 (hg19) VCF-style: chr5-1432760-C-T.
Other names: c.472G>A (NM_001044.4); short protein forms V158I.
Identifiers: ClinVar variation 1403613 (VCV001403613.6), dbSNP rs543317006, ClinGen allele CA3186358.
Genomic context (GRCh38, chr5:1,432,645, plus strand): 5'-TCCAGGGGAGCTCCGTGGTGAAGGAGGAGAAGAGATAGTGCAGCGCCCAGGCGATGATGA[C>T]GTTGTAGAAGAAGCCGACATACAGTGAGATGAGGATGACCGTGAAGCCCACACCTAGCGG-3'
Protein context (NP_001035.1, residues 148-168): ISLYVGFFYN[Val158Ile]IIAWALHYLF